The following is an entry in ClinVar:

ClinVar aggregate classification (germline): Conflicting classifications of pathogenicity. Review status: criteria provided, conflicting classifications (1 of 4 stars). 4 submissions from 4 submitters: Uncertain significance (2); Likely benign (2). Last evaluated 2026-08-05.

Conditions:
Inborn genetic diseases. Identifiers: MedGen C0950123, MeSH D030342.
Hypogonadotropic hypogonadism 5 with or without anosmia (KAL5). Also called: CHD7-Related GnRH Deficiency (Kallmann Syndrome 5); HYPOGONADOTROPIC HYPOGONADISM 5 WITH ANOSMIA; HYPOGONADOTROPHIC HYPOGONADISM 5 WITHOUT ANOSMIA. Identifiers: Orphanet 478, MedGen C3552553, MONDO:0012880, OMIM 612370. Disease mechanism: loss of function.
CHARGE syndrome (CHARGE). Also called: Hittner Hirsch Kreh syndrome; CHARGE ASSOCIATION--COLOBOMA, HEART ANOMALY, CHOANAL ATRESIA, RETARDATION, GENITAL AND EAR ANOMALIES; Coloboma, heart anomaly, choanal atresia, retardation, genital and ear anomalies; CHARGE association; Hall-Hittner syndrome. Identifiers: Orphanet 138, MedGen C0265354, MONDO:0008965.
CHD7-related disorder. Also called: CHD7-related condition.

Allele frequency attached by ClinVar (database versions not stated): ExAC 0.00001; gnomAD exomes 0.00001; TOPMed 0.00001.
gnomAD v4.1: 11 of 1,598,890 alleles (0.00069%); highest among the groups gnomAD compares: Middle Eastern, 0.017%; no homozygotes.

Submissions (4):

Ambry Genetics
Classification: Likely benign for Inborn genetic diseases. Last evaluated: 2026-08-05. Review status: criteria provided, single submitter. Criteria: Ambry Variant Classification Scheme 2023. Collection method: clinical testing. Allele origin: germline.

PreventionGenetics, part of Exact Sciences
Classification: Uncertain significance for CHD7-related condition. Last evaluated: 2024-11-25. Review status: criteria provided, single submitter. Criteria: ACMG Guidelines, 2015. Collection method: clinical testing. Allele origin: germline.
Comment: The CHD7 c.6923C>T variant is predicted to result in the amino acid substitution p.Ser2308Leu. To our knowledge, this variant has not been reported in the literature. This variant is reported in 0.0067% of alleles in individuals of South Asian descent in gnomAD. At this time, the clinical significance of this variant is uncertain due to the absence of conclusive functional and genetic evidence.

Fulgent Genetics
Classification: Uncertain significance for CHD7-related CHARGE syndrome; Hypogonadotropic hypogonadism 5 with or without anosmia. Last evaluated: 2024-05-17. Review status: criteria provided, single submitter. Criteria: ACMG Guidelines, 2015. Collection method: clinical testing. Allele origin: germline.

Labcorp Genetics (formerly Invitae), Labcorp
Classification: Likely benign for CHARGE syndrome. Last evaluated: 2022-09-27. Review status: criteria provided, single submitter. Criteria: Invitae Variant Classification Sherloc (09022015). Collection method: clinical testing. Allele origin: germline.

NM_017780.4(CHD7):c.6923C>T (p.Ser2308Leu)

Gene: CHD7 (chromodomain helicase DNA binding protein 7; plus strand). Cytogenetic location: 8q12.2.
Variant type: single nucleotide variant.
Coding change: c.6923C>T on transcript NM_017780.4 (MANE Select); coding-DNA position 6923, C replaced by T.
Protein change: p.Ser2308Leu; replaces serine 2308 with leucine.
Molecular consequence: missense variant. On other transcripts: intron variant (1).
Genome position (GRCh38, 1-based): chr8:60,854,510, C>T. VCF-style: chr8-60854510-C-T. GRCh37 (hg19) VCF-style: chr8-61767069-C-T.
Other names: c.6923C>T (NM_017780.3); c.1717-7719C>T (NM_001316690.1); short protein forms S2308L.
Identifiers: ClinVar variation 2062142 (VCV002062142.7), dbSNP rs768152792, ClinGen allele CA4760692.
Genomic context (GRCh38, chr8:60,854,510, plus strand): 5'-ACATGGAGGACGGAGATCCTTCAGTAGCTCAGCTCCTTCATGAAAGAACATTTGCCTTCT[C>T]GTTTTGGCCTAAGGTTGGCAGGTTTTTGTTGCTGTTGTTTTGCTGACCAAAAAGGATTAG-3'
Protein context (NP_060250.2, residues 2298-2318): QLLHERTFAF[Ser2308Leu]FWPKDRVMIN